The following is an entry in ClinVar:

NM_001849.4(COL6A2):c.1179+1G>T

Gene: COL6A2 (collagen type VI alpha 2 chain; plus strand). Cytogenetic location: 21q22.3.
Variant type: single nucleotide variant.
Coding change: c.1179+1G>T on transcript NM_001849.4 (MANE Select); the canonical splice donor site of the intron after coding-DNA position 1179, G replaced by T.
Molecular consequence: splice donor variant.
Genome position (GRCh38, 1-based): chr21:46,118,677, G>T. VCF-style: chr21-46118677-G-T. GRCh37 (hg19) VCF-style: chr21-47538591-G-T.
Other names: c.1179+1G>T (NM_058175.3, NM_058174.3).
Identifiers: ClinVar variation 2627972 (VCV002627972.1), dbSNP rs2078514224, ClinGen allele CA410528412.

ClinVar aggregate classification (germline): Likely pathogenic (1 of 4 stars; one submission).

Conditions:
Ullrich congenital muscular dystrophy 1A. Also called: Ullrich congenital muscular dystrophy 1; Intermediate COL6-RD. Identifiers: Orphanet 75840, MedGen C0410179, MONDO:0009681, OMIM 254090.

Submission:

Neuberg Centre For Genomic Medicine, NCGM
Classification: Likely pathogenic for Ullrich congenital muscular dystrophy 1A. Review status: criteria provided, single submitter. Criteria: ACMG Guidelines, 2015. Collection method: clinical testing. Allele origin: germline. Inheritance: Autosomal recessive inheritance. Affected: yes.
Comment: The splice variant c.1179+1G>T in COL6A2 gene has not been reported previously as a pathogenic variant nor as a benign variant, to our knowledge. The variant is novel (not in any individuals) in gnomAD Exomes and 1000 Genomes. The variant affects an invariant splice nucelotide and hence is predicted to cause loss of function through premature protein truncation. The nucleotide change in COL6A2 is predicted as conserved by GERP++ and PhyloP across 100 vertebrates. For these reasons, this variant has been classified as Likely Pathogenic.